The following is an entry in ClinVar:

NM_000138.5(FBN1):c.3173del (p.Gly1058fs)

Gene: FBN1 (fibrillin 1; minus strand). Cytogenetic location: 15q21.1.
Variant type: Deletion.
Coding change: c.3173del on transcript NM_000138.5 (MANE Select); coding-DNA position 3173, one base deleted (G; older notation c.3173delG).
Protein change: p.Gly1058fs; shifts the reading frame from glycine 1058.
Molecular consequence: frameshift variant.
Genome position (GRCh38, 1-based): chr15:48,488,403, C deleted on the plus strand (G on the coding strand, the reverse complement: FBN1 is on the minus strand); the first of 2 consecutive C bases (chr15:48,488,403-48,488,404); deleting either gives the same sequence. VCF-style (leftmost placement, unchanged base first): chr15-48488402-GC-G. GRCh37 (hg19) VCF-style: chr15-48780599-GC-G.
Other names: c.3173del, p.Gly1058fs (NM_001406716.1); short protein forms G1058fs.
Identifiers: ClinVar variation 3756076 (VCV003756076.2).

ClinVar aggregate classification (germline): Pathogenic (1 of 4 stars; one submission).

Conditions:
Marfan syndrome (MFS). Also called: MARFAN SYNDROME, TYPE I; Marfan syndrome type 1; Marfan's syndrome; Marfan syndrome, classic; FBN1-Related Marfan Syndrome. Identifiers: Orphanet 284963, Orphanet 558, MedGen C0024796, MONDO:0007947, OMIM 154700.
Familial thoracic aortic aneurysm and aortic dissection (TAAD). Also called: Thoracic aortic aneurysms and dissections. Identifiers: Orphanet 91387, MedGen C4707243, MONDO:0019625.

Submission:

Labcorp Genetics (formerly Invitae), Labcorp
Classification: Pathogenic for Marfan syndrome; Familial thoracic aortic aneurysm and aortic dissection. Last evaluated: 2024-04-26. Review status: criteria provided, single submitter. Criteria: Invitae Variant Classification Sherloc (09022015). Collection method: clinical testing. Allele origin: germline.
Comment: This sequence change creates a premature translational stop signal (p.Gly1058Alafs*30) in the FBN1 gene. It is expected to result in an absent or disrupted protein product. Loss-of-function variants in FBN1 are known to be pathogenic (PMID: 17657824, 19293843). This variant is not present in population databases (gnomAD no frequency). This variant has not been reported in the literature in individuals affected with FBN1-related conditions. For these reasons, this variant has been classified as Pathogenic.

Literature cited by the submitters: PubMed 17657824; PubMed 19293843.